The following is an entry in ClinVar:

NM_006907.4(PYCR1):c.633+2T>G

Gene: PYCR1 (pyrroline-5-carboxylate reductase 1; minus strand). Cytogenetic location: 17q25.3.
Variant type: single nucleotide variant.
Coding change: c.633+2T>G on transcript NM_006907.4 (MANE Select); the canonical splice donor site of the intron after coding-DNA position 633, T replaced by G.
Molecular consequence: splice donor variant. On other transcripts: intron variant (1).
Genome position (GRCh38, 1-based): chr17:81,934,651, A>C on the plus strand (T>G on the coding strand, the complement: PYCR1 is on the minus strand). VCF-style: chr17-81934651-A-C. GRCh37 (hg19) VCF-style: chr17-79892527-A-C.
Other names: c.541-162T>G (NM_001282279.2); c.633+2T>G (NM_001330523.2, NM_001282280.2, NM_153824.3); c.714+2T>G (NM_001282281.2).
Identifiers: ClinVar variation 3711852 (VCV003711852.1).

ClinVar aggregate classification (germline): Pathogenic (1 of 4 stars; one submission).

Submission:

Labcorp Genetics (formerly Invitae), Labcorp
Classification: Pathogenic. Last evaluated: 2023-03-01. Review status: criteria provided, single submitter. Criteria: Invitae Variant Classification Sherloc (09022015). Collection method: clinical testing. Allele origin: germline.
Comment: For these reasons, this variant has been classified as Pathogenic. Algorithms developed to predict the effect of sequence changes on RNA splicing suggest that this variant may disrupt the consensus splice site. Disruption of this splice site has been observed in individuals with cutis laxa (PMID: 19648921, 304505527; Invitae). This variant is present in population databases (rs370360681, gnomAD 0.006%). This sequence change affects a donor splice site in intron 5 of the PYCR1 gene. It is expected to disrupt RNA splicing. Variants that disrupt the donor or acceptor splice site typically lead to a loss of protein function (PMID: 16199547), and loss-of-function variants in PYCR1 are known to be pathogenic (PMID: 19648921).

Literature cited by the submitters: PubMed 19648921; PubMed 304505527; PubMed 16199547.